The following is an entry in ClinVar:

ClinVar aggregate classification (germline): Uncertain significance (1 of 4 stars; one submission).

Conditions:
Hereditary cancer-predisposing syndrome. Also called: Neoplastic Syndromes, Hereditary; Tumor predisposition; Hereditary neoplastic syndrome; Hereditary Cancer Syndrome. Identifiers: Orphanet 140162, MedGen C0027672, MeSH D009386, MONDO:0015356.

Submission:

Ambry Genetics
Classification: Uncertain significance for Hereditary cancer-predisposing syndrome. Last evaluated: 2025-09-16. Review status: criteria provided, single submitter. Criteria: Ambry Variant Classification Scheme 2023. Collection method: clinical testing. Allele origin: germline.
Comment: The p.A132G variant (also known as c.395C>G), located in coding exon 2 of the CDKN2A gene, results from a C to G substitution at nucleotide position 395. The alanine at codon 132 is replaced by glycine, an amino acid with similar properties. This amino acid position is poorly conserved in available vertebrate species. In addition, this alteration is predicted to be tolerated by in silico analysis. Based on the available evidence, the clinical significance of this variant remains unclear.

NM_000077.5(CDKN2A):c.395C>G (p.Ala132Gly)

Gene: CDKN2A (cyclin dependent kinase inhibitor 2A; minus strand). Cytogenetic location: 9p21.3.
Variant type: single nucleotide variant.
Coding change: c.395C>G on transcript NM_000077.5; coding-DNA position 395, C replaced by G.
Protein change: p.Ala132Gly; replaces alanine 132 with glycine.
Molecular consequence: missense variant (on NM_000077.6). On other transcripts: 3 prime UTR variant (2).
Genome position (GRCh38, 1-based): chr9:21,970,964, G>C on the plus strand (C>G on the coding strand, the complement: CDKN2A is on the minus strand). VCF-style: chr9-21970964-G-C. GRCh37 (hg19) VCF-style: chr9-21970963-G-C.
Other names: c.395C>G, p.Ala132Gly (NM_000077.6, NM_001195132.2); c.242C>G, p.Ala81Gly (NM_001363763.2); c.*39C>G (NM_058195.4); c.*318C>G (NM_058197.5); short protein forms A132G, A81G.
Identifiers: ClinVar variation 4633839 (VCV004633839.1).